The following is an entry in ClinVar:

NM_024757.5(EHMT1):c.2875C>T (p.Leu959Phe)

Gene: EHMT1 (euchromatic histone lysine methyltransferase 1; plus strand). Cytogenetic location: 9q34.3.
Variant type: single nucleotide variant.
Coding change: c.2875C>T on transcript NM_024757.5 (MANE Select); coding-DNA position 2875, C replaced by T.
Protein change: p.Leu959Phe; replaces leucine 959 with phenylalanine.
Molecular consequence: missense variant.
Genome position (GRCh38, 1-based): chr9:137,813,013, C>T. VCF-style: chr9-137813013-C-T. GRCh37 (hg19) VCF-style: chr9-140707465-C-T.
Other names: c.2854C>T, p.Leu952Phe (NM_001354263.2); short protein forms L952F, L959F.
Identifiers: ClinVar variation 2661965 (VCV002661965.1), dbSNP rs2538650417, ClinGen allele CA375793188.

ClinVar aggregate classification (germline): Uncertain significance (1 of 4 stars; one submission).

Submission:

GeneDx
Classification: Uncertain significance. Last evaluated: 2023-03-31. Review status: criteria provided, single submitter. Criteria: GeneDx Variant Classification Process June 2021. Collection method: clinical testing. Allele origin: germline. Affected: yes.
Comment: Not observed at significant frequency in large population cohorts (gnomAD); In silico analysis supports that this missense variant has a deleterious effect on protein structure/function; Has not been previously published as pathogenic or benign to our knowledge